The following is an entry in ClinVar:

ClinVar aggregate classification (germline): Likely benign (0 of 4 stars; one submission).

Conditions:
RAI1-related disorder. Also called: RAI1-related condition.

Submission:

PreventionGenetics, part of Exact Sciences
Classification: Likely benign for RAI1-related condition. Last evaluated: 2021-04-05. Review status: no assertion criteria provided. Collection method: clinical testing. Allele origin: germline.
Comment: This variant is classified as likely benign based on ACMG/AMP sequence variant interpretation guidelines (Richards et al. 2015 PMID: 25741868, with internal and published modifications).

NM_030665.4(RAI1):c.3180C>T (p.Leu1060=)

Gene: RAI1 (retinoic acid induced 1; plus strand). Cytogenetic location: 17p11.2.
Variant type: single nucleotide variant.
Coding change: c.3180C>T on transcript NM_030665.4 (MANE Select); coding-DNA position 3180, C replaced by T.
Protein change: p.Leu1060=; no amino-acid change (leucine 1060 retained).
Molecular consequence: synonymous variant.
Genome position (GRCh38, 1-based): chr17:17,796,128, C>T. VCF-style: chr17-17796128-C-T. GRCh37 (hg19) VCF-style: chr17-17699442-C-T.
Identifiers: ClinVar variation 3357189 (VCV003357189.1).